The following is an entry in ClinVar:

ClinVar aggregate classification (germline): Pathogenic (1 of 4 stars; one submission).

Submission:

Labcorp Genetics (formerly Invitae), Labcorp
Classification: Pathogenic. Last evaluated: 2022-09-07. Review status: criteria provided, single submitter. Criteria: Invitae Variant Classification Sherloc (09022015). Collection method: clinical testing. Allele origin: germline.
Comment: For these reasons, this variant has been classified as Pathogenic. This variant has not been reported in the literature in individuals affected with TNFRSF9-related conditions. This variant is not present in population databases (gnomAD no frequency). This sequence change creates a premature translational stop signal (p.Ser55Alafs*58) in the TNFRSF9 gene. It is expected to result in an absent or disrupted protein product. Loss-of-function variants in TNFRSF9 are known to be pathogenic (PMID: 30872117, 31501153).

Literature cited by the submitters: PubMed 30872117; PubMed 31501153.

NM_001561.6(TNFRSF9):c.163del (p.Ser55fs)

Gene: TNFRSF9 (TNF receptor superfamily member 9; minus strand). Cytogenetic location: 1p36.23.
Variant type: Deletion.
Coding change: c.163del on transcript NM_001561.6 (MANE Select); coding-DNA position 163, one base deleted (A; older notation c.163delA).
Protein change: p.Ser55fs; shifts the reading frame from serine 55.
Molecular consequence: frameshift variant.
Genome position (GRCh38, 1-based): chr1:7,938,766, T deleted on the plus strand (A on the coding strand, the reverse complement: TNFRSF9 is on the minus strand). VCF-style (leftmost placement, unchanged base first): chr1-7938765-CT-C. GRCh37 (hg19) VCF-style: chr1-7998825-CT-C.
Other names: short protein forms S55fs.
Identifiers: ClinVar variation 2020530 (VCV002020530.4), dbSNP rs2527272194, ClinGen allele CA2580062559.
Genomic context (GRCh38, chr1:7,938,765, plus strand): 5'-ATCTTTGAACTCATACCTTTACACTGCCTGCATATGTCACAGGTCCTTTGTCCACCTGCG[CT>C]GGAGAAACTATTTGGAGGACAGGGACTGCAAATCTGATTCCTGTTATTATCACAGAATGT-3'